The following is an entry in ClinVar:

NM_004360.5(CDH1):c.1009-20T>C

Gene: CDH1 (cadherin 1; plus strand). Cytogenetic location: 16q22.1.
Variant type: single nucleotide variant.
Coding change: c.1009-20T>C on transcript NM_004360.5 (MANE Select); 20 bases into the intron before coding-DNA position 1009, T replaced by C.
Molecular consequence: intron variant.
Genome position (GRCh38, 1-based): chr16:68,812,115, T>C. VCF-style: chr16-68812115-T-C. GRCh37 (hg19) VCF-style: chr16-68846018-T-C.
Other names: c.-607-20T>C (NM_001317185.2); c.-811-20T>C (NM_001317186.2); c.1009-20T>C (NM_001317184.2).
Identifiers: ClinVar variation 2898644 (VCV002898644.4), dbSNP rs1205357015, ClinGen allele CA623136757.

ClinVar aggregate classification (germline): Likely benign. Review status: criteria provided, multiple submitters, no conflicts (2 of 4 stars). 2 submissions from 2 submitters: Likely benign (2). Last evaluated 2024-09-17.

Conditions:
Hereditary diffuse gastric adenocarcinoma (HDGC). Also called: DIFFUSE GASTRIC AND LOBULAR BREAST CANCER SYNDROME. Identifiers: Orphanet 26106, MedGen C1708349, MONDO:0007648, OMIM 137215.

Allele frequency attached by ClinVar (database versions not stated): gnomAD 0.00001.
gnomAD v4.1: 1 of 1,613,896 alleles (0.000062%); highest among the groups gnomAD compares: African/African-American, 0.0013%; no homozygotes.

Submissions (2):

Myriad Genetics, Inc.
Classification: Likely benign for Hereditary diffuse gastric adenocarcinoma. Last evaluated: 2024-09-17. Review status: criteria provided, single submitter. Criteria: Myriad Autosomal Dominant, Autosomal Recessive and X-Linked Classification Criteria (2023). Collection method: clinical testing. Allele origin: unknown.
Comment: This variant is considered likely benign. This variant is intronic and is not expected to impact mRNA splicing.

Labcorp Genetics (formerly Invitae), Labcorp
Classification: Likely benign for Hereditary diffuse gastric adenocarcinoma. Last evaluated: 2024-09-06. Review status: criteria provided, single submitter. Criteria: Invitae Variant Classification Sherloc (09022015). Collection method: clinical testing. Allele origin: germline.